The following is an entry in ClinVar:

ClinVar aggregate classification (germline): Pathogenic. Review status: reviewed by expert panel (3 of 4 stars). 3 submissions from 3 submitters: Pathogenic (1). 2 of the submissions do not count toward it. Last evaluated 2025-07-01.

Conditions:
Glycogen storage disease, type II (IOPD). Also called: CARDIOMEGALIA GLYCOGENICA DIFFUSA; GLYCOGENOSIS, GENERALIZED, CARDIAC FORM; GSD II; Glycogen storage disease type 2; Acid maltase deficiency disease; Aglucosidase alfa. Identifiers: Orphanet 365, MedGen C0017921, MONDO:0009290, OMIM 232300.

Submissions (3):

ClinGen Lysosomal Storage Disorder Variant Curation Expert Panel
Classification: Pathogenic for Glycogen storage disease, type II. Last evaluated: 2025-07-01. Review status: reviewed by expert panel. Criteria: clingen_lsd_acmg_specifications_v2-1. Collection method: curation. Allele origin: germline. Inheritance: Autosomal recessive inheritance.
Comment: The NM_000152.5:c.546+1G>T variant in GAA occurs within the canonical splice donor site of intron 2. Two studies involving minigene analysis have showed that the variant disrupts normal splicing, resulting in skipping of exon 2 (PMID: 31301153, 39905333). Exon 2 contains the start methionine and signal sequence for GAA (amino acids 1-27). Deletion of exon 2 causes complete loss of enzyme activity when expressed in heterologous cells (Huie et al, 1994, PMID 7881425; Boerkoel et al, 1995, PMID 7717400) (PVS1). At least 5 probands with symptoms consistent with late-onset Pompe disease have been reported with this variant (PMID: 18285536, 25396301, 25712382, 28838325), one with documented GAA deficiency with <10% of normal mean control level of GAA activity in a muscle sample (PP4_Moderate). Of those individuals, 4 were compound heterozygous for this variant and another variant in GAA, c.-32-13T>G (ClinVar Variation ID: 4027), which is classified as pathogenic by the ClinGen Lysosomal Diseases VCEP. The phase is unconfirmed in all cases (PMID: 18285536, 25396301, 25712382, 28838325) (PM3). Additionally, this variant is absent in gnomAD v4.1.0. (PM2_Supporting). There is a ClinVar entry for this variant (Variation ID: 3241650). In summary, this variant meets the criteria to be classified as pathogenic for Pompe disease based on the GAA-specific ACMG/AMP criteria applied, as specified by the ClinGen Lysosomal Diseases Variant Curation Expert Panel (Specifications Version 2.0.0): PVS1, PM2_Supporting, PM3, PP4_Moderate. (Classification approved by the ClinGen Lysosomal Diseases Variant Curation Expert Panel on July 1, 2025)

Genomenon, Inc
Classification: Pathogenic for Glycogen storage disease, type II. Last evaluated: 2026-07-01. Review status: criteria provided, single submitter. Criteria: Genomenon Sequence Variant Interpretation Standards - Updated. Collection method: curation. Allele origin: germline. Affected: yes. Not counted in ClinVar's aggregate classification.
Comment: GAA c.546+1G>T is a canonical splice variant affecting the donor splice site of intron 2. It is predicted to affect mRNA splicing, leading to a deleterious effect on the GAA protein. This variant has been observed in at least one proband with a GAA-related disorder (PMID:25712382;25396301;21179524;22081099;18285536). At least one splicing study has demonstrated that this variant results in aberrant splicing (PMID:31301153). It is absent or not present at a significant frequency in gnomAD. In conclusion, we classify GAA c.546+1G>T as a pathogenic variant.

Baylor Genetics
Classification: Pathogenic for Glycogen storage disease, type II. Last evaluated: 2024-02-08. Review status: criteria provided, single submitter. Criteria: ACMG Guidelines, 2015. Collection method: clinical testing. Allele origin: unknown. Not counted in ClinVar's aggregate classification.

Literature cited by the submitters: PubMed 25712382 (cited by Genomenon, Inc); PubMed 25396301 (cited by Genomenon, Inc); PubMed 21179524 (cited by Genomenon, Inc); PubMed 22081099 (cited by Genomenon, Inc); PubMed 18285536 (cited by Genomenon, Inc); PubMed 31301153 (cited by Genomenon, Inc).

NM_000152.5(GAA):c.546+1G>T

Gene: GAA (alpha glucosidase; plus strand). Cytogenetic location: 17q25.3.
Variant type: single nucleotide variant.
Coding change: c.546+1G>T on transcript NM_000152.5 (MANE Select); the canonical splice donor site of the intron after coding-DNA position 546, G replaced by T.
Molecular consequence: splice donor variant.
Genome position (GRCh38, 1-based): chr17:80,105,133, G>T. VCF-style: chr17-80105133-G-T. GRCh37 (hg19) VCF-style: chr17-78078932-G-T.
Other names: c.546+1G>T (NM_001406741.1, NM_001406742.1, NM_001079803.3 and 1 more transcripts).
Identifiers: ClinVar variation 3241650 (VCV003241650.2), dbSNP rs2510347650.